The following is an entry in ClinVar:

NM_004369.4(COL6A3):c.1095G>C (p.Gly365=)

Gene: COL6A3 (collagen type VI alpha 3 chain; minus strand). Cytogenetic location: 2q37.3.
Variant type: single nucleotide variant.
Coding change: c.1095G>C on transcript NM_004369.4 (MANE Select); coding-DNA position 1095, G replaced by C.
Protein change: p.Gly365=; no amino-acid change (glycine 365 retained).
Molecular consequence: synonymous variant. On other transcripts: intron variant (2).
Genome position (GRCh38, 1-based): chr2:237,387,799, C>G on the plus strand (G>C on the coding strand, the complement: COL6A3 is on the minus strand). VCF-style: chr2-237387799-C-G. GRCh37 (hg19) VCF-style: chr2-238296442-C-G.
Other names: c.477G>C, p.Gly159= (NM_057165.5, NM_057167.4); c.92-6300G>C (NM_057166.5, NM_057164.5).
Identifiers: ClinVar variation 290513 (VCV000290513.15), dbSNP rs535498742, ClinGen allele CA2189705.

ClinVar aggregate classification (germline): Conflicting classifications of pathogenicity. Review status: criteria provided, conflicting classifications (1 of 4 stars). 3 submissions from 3 submitters: Uncertain significance (1); Likely benign (2). Last evaluated 2025-11-18.

Conditions:
COL6A3-related disorder. Also called: COL6A3-related condition; COL6A3-related disorders.
Bethlem myopathy 1A. Also called: MYOPATHY, BENIGN CONGENITAL, WITH CONTRACTURES; Bethlem myopathy 1; Bethlem Muscular Dystrophy. Identifiers: Orphanet 610, MedGen CN029274, MONDO:0024530, OMIM 158810.

gnomAD v4.1: 38 of 1,614,012 alleles (0.0024%); highest among the groups gnomAD compares: Non-Finnish European, 0.0021%; no homozygotes.

Submissions (3):

Labcorp Genetics (formerly Invitae), Labcorp
Classification: Likely benign for Bethlem myopathy 1A. Last evaluated: 2025-11-18. Review status: criteria provided, single submitter. Criteria: Invitae Variant Classification Sherloc (09022015). Collection method: clinical testing. Allele origin: germline.

PreventionGenetics, part of Exact Sciences
Classification: Likely benign for COL6A3-related condition. Last evaluated: 2025-04-28. Review status: criteria provided, single submitter. Criteria: ACMG Guidelines, 2015. Collection method: clinical testing. Allele origin: germline.
Comment: This variant is classified as likely benign based on ACMG/AMP sequence variant interpretation guidelines (Richards et al. 2015 PMID: 25741868, with internal and published modifications).

Eurofins Ntd Llc (ga)
Classification: Uncertain significance. Last evaluated: 2016-09-23. Review status: criteria provided, single submitter. Criteria: EGL Classification Definitions 2015. Collection method: clinical testing. Allele origin: germline. Observed: 1 variant allele, 1 heterozygote.